The following is an entry in ClinVar:

ClinVar aggregate classification (germline): Uncertain significance (1 of 4 stars; one submission).

Conditions:
Neurofibromatosis, type 1 (NF1). Also called: VON RECKLINGHAUSEN DISEASE; NEUROFIBROMATOSIS, TYPE I, SOMATIC; Peripheral type neurofibromatosis; Neurofibromatosis, type I. Identifiers: Orphanet 636, MedGen C0027831, MONDO:0018975, OMIM 162200. Disease mechanism: loss of function.

Submission:

Labcorp Genetics (formerly Invitae), Labcorp
Classification: Uncertain significance for Neurofibromatosis, type 1. Last evaluated: 2018-08-27. Review status: criteria provided, single submitter. Criteria: Invitae Variant Classification Sherloc (09022015). Collection method: clinical testing. Allele origin: germline.
Comment: This sequence change replaces leucine with phenylalanine at codon 1018 of the NF1 protein (p.Leu1018Phe). The leucine residue is moderately conserved and there is a small physicochemical difference between leucine and phenylalanine. This variant is not present in population databases (ExAC no frequency). This variant has not been reported in the literature in individuals with NF1-related disease. Algorithms developed to predict the effect of missense changes on protein structure and function are either unavailable or do not agree on the potential impact of this missense change (SIFT: "Deleterious"; PolyPhen-2: "Probably Damaging"; Align-GVGD: "Class C0"). In summary, the available evidence is currently insufficient to determine the role of this variant in disease. Therefore, it has been classified as a Variant of Uncertain Significance.

NM_001042492.3(NF1):c.3054A>C (p.Leu1018Phe)

Gene: NF1 (neurofibromin 1; plus strand). Cytogenetic location: 17q11.2.
Variant type: single nucleotide variant.
Coding change: c.3054A>C on transcript NM_001042492.3 (MANE Select); coding-DNA position 3054, A replaced by C.
Protein change: p.Leu1018Phe; replaces leucine 1018 with phenylalanine.
Molecular consequence: missense variant.
Genome position (GRCh38, 1-based): chr17:31,230,323, A>C. VCF-style: chr17-31230323-A-C. GRCh37 (hg19) VCF-style: chr17-29557341-A-C.
Other names: c.3054A>C, p.Leu1018Phe (NM_000267.4); short protein forms L1018F.
Identifiers: ClinVar variation 659441 (VCV000659441.5), dbSNP rs1237938582, ClinGen allele CA398987395.
Genomic context (GRCh38, chr17:31,230,323, plus strand): 5'-TGTTCGTGTGCTTGGGAATATGGTCCATGCAATTCAAATAAAAACGAAACTGTGTCAATT[A>C]GTTGAAGTAATGATGGCAAGGAGAGATGACCTCTCATTTTGCCAAGAGATGAAATTTAGG-3'
Protein context (NP_001035957.1, residues 1008-1028): AIQIKTKLCQ[Leu1018Phe]VEVMMARRDD